The following is an entry in ClinVar:

NM_212482.4(FN1):c.7317G>T (p.Gln2439His)

Genes: ATIC (5-aminoimidazole-4-carboxamide ribonucleotide formyltransferase/IMP cyclohydrolase; plus strand), FN1 (fibronectin 1; minus strand). Cytogenetic location: 2q35.
Variant type: single nucleotide variant.
Coding change: c.7317G>T on transcript NM_212482.4 (MANE Select); coding-DNA position 7317, G replaced by T.
Protein change: p.Gln2439His; replaces glutamine 2439 with histidine.
Molecular consequence: missense variant.
Genome position (GRCh38, 1-based): chr2:215,362,014, C>A on the plus strand (G>T on the coding strand, the complement: FN1 is on the minus strand). VCF-style: chr2-215362014-C-A. GRCh37 (hg19) VCF-style: chr2-216226737-C-A.
Other names: c.7044G>T, p.Gln2348His (NM_001365518.2); c.6972G>T, p.Gln2324His (NM_001365519.2); c.6969G>T, p.Gln2323His (NM_001365520.2); c.6954G>T, p.Gln2318His (NM_001365521.2); c.6879G>T, p.Gln2293His (NM_001365522.2); c.6699G>T, p.Gln2233His (NM_001365523.2); c.6684G>T, p.Gln2228His (NM_001365524.2); c.6951G>T, p.Gln2317His (NM_002026.4); and 8 more; short protein forms Q2138H, Q2202H, Q2227H, Q2228H, Q2229H, Q2233H, Q2258H, Q2292H.
Identifiers: ClinVar variation 4881972 (VCV004881972.2).

ClinVar aggregate classification (germline): Uncertain significance (1 of 4 stars; one submission).

gnomAD v4.1: 9 of 1,614,074 alleles (0.00056%); highest among the groups gnomAD compares: Non-Finnish European, 0.00076%; no homozygotes.

Submission:

Dasa
Classification: Uncertain significance. Last evaluated: 2025-05-12. Review status: criteria provided, single submitter. Criteria: DASA Assertion Criteria. Collection method: clinical testing. Allele origin: germline.
Comment: NM_212482.4(FN1):c.7317G>T (p.Gln2439His) is a missense variant that results in the substitution of glutamine with histidine. This variant is rare in population databases. Computational prediction algorithms are consistent with a benign effect. The currently available literature and clinical evidence are not sufficient to establish a definitive association between this variant and the reported condition. Therefore, this variant is classified as a variant of uncertain significance.